The following is an entry in ClinVar:

NM_001170629.2(CHD8):c.959A>G (p.Gln320Arg)

Gene: CHD8 (chromodomain helicase DNA binding protein 8; minus strand). Cytogenetic location: 14q11.2.
Variant type: single nucleotide variant.
Coding change: c.959A>G on transcript NM_001170629.2 (MANE Select); coding-DNA position 959, A replaced by G.
Protein change: p.Gln320Arg; replaces glutamine 320 with arginine.
Molecular consequence: missense variant.
Genome position (GRCh38, 1-based): chr14:21,429,220, T>C on the plus strand (A>G on the coding strand, the complement: CHD8 is on the minus strand). VCF-style: chr14-21429220-T-C. GRCh37 (hg19) VCF-style: chr14-21897379-T-C.
Other names: c.122A>G, p.Gln41Arg (NM_020920.4); short protein forms Q320R, Q41R.
Identifiers: ClinVar variation 2112162 (VCV002112162.4), dbSNP rs747981456, ClinGen allele CA7091863.

ClinVar aggregate classification (germline): Uncertain significance (1 of 4 stars; one submission).

Allele frequency attached by ClinVar (database versions not stated): gnomAD exomes below 0.00001; ExAC 0.00001.

Submission:

Labcorp Genetics (formerly Invitae), Labcorp
Classification: Uncertain significance. Last evaluated: 2022-08-06. Review status: criteria provided, single submitter. Criteria: Invitae Variant Classification Sherloc (09022015). Collection method: clinical testing. Allele origin: germline.
Comment: Algorithms developed to predict the effect of missense changes on protein structure and function are either unavailable or do not agree on the potential impact of this missense change (SIFT: "Tolerated"; PolyPhen-2: "Possibly Damaging"; Align-GVGD: "Class C0"). In summary, the available evidence is currently insufficient to determine the role of this variant in disease. Therefore, it has been classified as a Variant of Uncertain Significance. This sequence change replaces glutamine, which is neutral and polar, with arginine, which is basic and polar, at codon 320 of the CHD8 protein (p.Gln320Arg). This variant is present in population databases (rs747981456, gnomAD 0.006%). This variant has not been reported in the literature in individuals affected with CHD8-related conditions.